The following is an entry in ClinVar:

ClinVar aggregate classification (germline): Likely benign (1 of 4 stars; one submission).

Submission:

CeGaT Center for Human Genetics Tuebingen
Classification: Likely benign. Last evaluated: 2025-02-01. Review status: criteria provided, single submitter. Criteria: CeGaT Center For Human Genetics Tuebingen Variant Classification Criteria Version 2. Collection method: clinical testing. Allele origin: germline. Affected: yes. Observed: 1 variant allele.
Comment: PERM1: BP4, BP7

NM_001394713.1(PERM1):c.1005T>C (p.Ser335=)

Gene: PERM1 (PPARGC1 and ESRR induced regulator, muscle 1; minus strand). Cytogenetic location: 1p36.33.
Variant type: single nucleotide variant.
Coding change: c.1005T>C on transcript NM_001394713.1 (MANE Select); coding-DNA position 1005, T replaced by C.
Protein change: p.Ser335=; no amino-acid change (serine 335 retained).
Molecular consequence: synonymous variant.
Genome position (GRCh38, 1-based): chr1:980,025, A>G on the plus strand (T>C on the coding strand, the complement: PERM1 is on the minus strand). VCF-style: chr1-980025-A-G. GRCh37 (hg19) VCF-style: chr1-915405-A-G.
Other names: c.1005T>C, p.Ser335= (NM_001291366.2, NM_001369897.1, NM_001369898.1); c.663T>C, p.Ser221= (NM_001291367.2).
Identifiers: ClinVar variation 3771294 (VCV003771294.13).